The following is an entry in ClinVar:

NM_006231.4(POLE):c.3094C>T (p.Leu1032Phe)

Gene: POLE (DNA polymerase epsilon, catalytic subunit; minus strand). Cytogenetic location: 12q24.33.
Variant type: single nucleotide variant.
Coding change: c.3094C>T on transcript NM_006231.4 (MANE Select); coding-DNA position 3094, C replaced by T.
Protein change: p.Leu1032Phe; replaces leucine 1032 with phenylalanine.
Molecular consequence: missense variant.
Genome position (GRCh38, 1-based): chr12:132,659,476, G>A on the plus strand (C>T on the coding strand, the complement: POLE is on the minus strand). VCF-style: chr12-132659476-G-A. GRCh37 (hg19) VCF-style: chr12-133236062-G-A.
Other names: c.3094C>T (NM_006231.2); short protein forms L1032F.
Identifiers: ClinVar variation 473572 (VCV000473572.8), dbSNP rs1555225694, ClinGen allele CA387391735.

ClinVar aggregate classification (germline): Uncertain significance. Review status: criteria provided, multiple submitters, no conflicts (2 of 4 stars). 2 submissions from 2 submitters: Uncertain significance (2). Last evaluated 2025-11-12.

Conditions:
Hereditary cancer-predisposing syndrome. Also called: Neoplastic Syndromes, Hereditary; Tumor predisposition; Hereditary Cancer Syndrome; Hereditary neoplastic syndrome. Identifiers: Orphanet 140162, MedGen C0027672, MeSH D009386, MONDO:0015356.

gnomAD v4.1: 1 of 1,614,198 alleles (0.000062%); highest among the groups gnomAD compares: Non-Finnish European, 0.000085%; no homozygotes.

Submissions (2):

Ambry Genetics
Classification: Uncertain significance for Hereditary cancer-predisposing syndrome. Last evaluated: 2025-11-12. Review status: criteria provided, single submitter. Criteria: Ambry Variant Classification Scheme 2023. Collection method: clinical testing. Allele origin: germline.
Comment: The p.L1032F variant (also known as c.3094C>T), located in coding exon 26 of the POLE gene, results from a C to T substitution at nucleotide position 3094. The leucine at codon 1032 is replaced by phenylalanine, an amino acid with highly similar properties. This amino acid position is highly conserved in available vertebrate species. In addition, this alteration is predicted to be tolerated by in silico analysis. Based on the available evidence, the clinical significance of this variant remains unclear.

Labcorp Genetics (formerly Invitae), Labcorp
Classification: Uncertain significance. Last evaluated: 2017-05-04. Review status: criteria provided, single submitter. Criteria: Invitae Variant Classification Sherloc (09022015). Collection method: clinical testing. Allele origin: germline.
Comment: This sequence change replaces leucine with phenylalanine at codon 1032 of the POLE protein (p.Leu1032Phe). The leucine residue is highly conserved and there is a small physicochemical difference between leucine and phenylalanine. This variant is not present in population databases (ExAC no frequency) and has not been reported in the literature in individuals with a POLE-related disease. Algorithms developed to predict the effect of missense changes on protein structure and function do not agree on the potential impact of this missense change (SIFT: "Deleterious"; PolyPhen-2: "Probably Damaging"; Align-GVGD: "Class C15"). In summary, this variant is a novel missense change with uncertain impact on protein function. It has been classified as a Variant of Uncertain Significance.